The following is an entry in ClinVar:

NM_006922.4(SCN3A):c.1065_1066dup (p.Gly356fs)

Gene: SCN3A (sodium voltage-gated channel alpha subunit 3; minus strand). Cytogenetic location: 2q24.3.
Variant type: Duplication.
Coding change: c.1065_1066dup on transcript NM_006922.4 (MANE Select); coding-DNA positions 1065 to 1066, 2 bases duplicated (TG; older notation c.1065_1066dupTG).
Protein change: p.Gly356fs; shifts the reading frame from glycine 356.
Molecular consequence: frameshift variant.
Genome position (GRCh38, 1-based): chr2:165,155,869-165,155,870, CA duplicated on the plus strand (TG on the coding strand, the reverse complement: SCN3A is on the minus strand). VCF-style (leftmost placement, unchanged base first): chr2-165155868-C-CCA. GRCh37 (hg19) VCF-style: chr2-166012378-C-CCA.
Other names: c.1065_1066dup, p.Gly356fs (NM_001081676.2, NM_001081677.2); short protein forms G356fs.
Identifiers: ClinVar variation 864816 (VCV000864816.7), dbSNP rs1688991223, ClinGen allele CA916082216.

ClinVar aggregate classification (germline): Uncertain significance (1 of 4 stars; one submission).

Allele frequency attached by ClinVar (database versions not stated): TOPMed below 0.00001; gnomAD 0.00001.

Submission:

Labcorp Genetics (formerly Invitae), Labcorp
Classification: Uncertain significance. Last evaluated: 2019-03-26. Review status: criteria provided, single submitter. Criteria: Invitae Variant Classification Sherloc (09022015). Collection method: clinical testing. Allele origin: germline.
Comment: The current clinical and genetic evidence is not sufficient to establish whether loss-of-function variants in SCN3A cause disease. This sequence change creates a premature translational stop signal (p.Gly356Valfs*26) in the SCN3A gene. It is expected to result in an absent or disrupted protein product. This variant is not present in population databases (ExAC no frequency). This variant has not been reported in the literature in individuals with SCN3A-related disease. In summary, the available evidence is currently insufficient to determine the role of this variant in disease. Therefore, it has been classified as a Variant of Uncertain Significance.